The following is an entry in ClinVar:

ClinVar aggregate classification (germline): Uncertain significance. Review status: criteria provided, multiple submitters, no conflicts (2 of 4 stars). 4 submissions from 4 submitters: Uncertain significance (4). Last evaluated 2025-12-19.

Conditions:
Neuroblastoma, susceptibility to, 3. Also called: ALK-Related Neuroblastic Tumor Susceptibility. Identifiers: Orphanet 635, MedGen C2751681, MONDO:0013083, OMIM 613014.
Hereditary cancer-predisposing syndrome. Also called: Hereditary Cancer Syndrome; Tumor predisposition; Neoplastic Syndromes, Hereditary; Hereditary neoplastic syndrome. Identifiers: Orphanet 140162, MedGen C0027672, MeSH D009386, MONDO:0015356.

Allele frequency attached by ClinVar (database versions not stated): gnomAD 0.00001.
gnomAD v4.1: 17 of 1,614,102 alleles (0.0011%); highest among the groups gnomAD compares: Non-Finnish European, 0.0014%; no homozygotes.

Submissions (4):

Labcorp Genetics (formerly Invitae), Labcorp
Classification: Uncertain significance for Neuroblastoma, susceptibility to, 3. Last evaluated: 2025-12-19. Review status: criteria provided, single submitter. Criteria: Invitae Variant Classification Sherloc (09022015). Collection method: clinical testing. Allele origin: germline.
Comment: This sequence change replaces leucine, which is neutral and non-polar, with arginine, which is basic and polar, at codon 1562 of the ALK protein (p.Leu1562Arg). This variant is not present in population databases (gnomAD no frequency). This variant has not been reported in the literature in individuals affected with ALK-related conditions. ClinVar contains an entry for this variant (Variation ID: 647536). An algorithm developed to predict the effect of missense changes on protein structure and function (PolyPhen-2) suggests that this variant is likely to be disruptive. In summary, the available evidence is currently insufficient to determine the role of this variant in disease. Therefore, it has been classified as a Variant of Uncertain Significance.

Ambry Genetics
Classification: Uncertain significance for Hereditary cancer-predisposing syndrome. Last evaluated: 2025-01-15. Review status: criteria provided, single submitter. Criteria: Ambry Variant Classification Scheme 2023. Collection method: clinical testing. Allele origin: germline.
Comment: The p.L1562R variant (also known as c.4685T>G), located in coding exon 29 of the ALK gene, results from a T to G substitution at nucleotide position 4685. The leucine at codon 1562 is replaced by arginine, an amino acid with dissimilar properties. This amino acid position is well conserved in available vertebrate species. In addition, the in silico prediction for this alteration is inconclusive. Based on the available evidence, the clinical significance of this variant remains unclear.

Baylor Genetics
Classification: Uncertain significance for Neuroblastoma, susceptibility to, 3. Last evaluated: 2023-09-11. Review status: criteria provided, single submitter. Criteria: ACMG Guidelines, 2015. Collection method: clinical testing. Allele origin: unknown.

GeneDx
Classification: Uncertain significance. Last evaluated: 2022-08-19. Review status: criteria provided, single submitter. Criteria: GeneDx Variant Classification Process June 2021. Collection method: clinical testing. Allele origin: germline. Affected: yes.
Comment: Not observed at significant frequency in large population cohorts (gnomAD); In silico analysis supports that this missense variant has a deleterious effect on protein structure/function; Has not been previously published as pathogenic or benign to our knowledge

NM_004304.5(ALK):c.4685T>G (p.Leu1562Arg)

Gene: ALK (ALK receptor tyrosine kinase; minus strand). Cytogenetic location: 2p23.2.
Variant type: single nucleotide variant.
Coding change: c.4685T>G on transcript NM_004304.5 (MANE Select); coding-DNA position 4685, T replaced by G.
Protein change: p.Leu1562Arg; replaces leucine 1562 with arginine.
Molecular consequence: missense variant.
Genome position (GRCh38, 1-based): chr2:29,193,402, A>C on the plus strand (T>G on the coding strand, the complement: ALK is on the minus strand). VCF-style: chr2-29193402-A-C. GRCh37 (hg19) VCF-style: chr2-29416268-A-C.
Other names: c.1481T>G, p.Leu494Arg (NM_001353765.2); short protein forms L1562R, L494R.
Identifiers: ClinVar variation 647536 (VCV000647536.15), dbSNP rs974930400, ClinGen allele CA44634764.